The following is an entry in ClinVar:

ClinVar aggregate classification (germline): Uncertain significance (1 of 4 stars; one submission).

Conditions:
Long QT syndrome (LQTS). Identifiers: MedGen C0023976, MeSH D008133, MONDO:0002442. Disease mechanism: loss of function. Inheritance: Various modes of inheritance.

Allele frequency attached by ClinVar (database versions not stated): gnomAD exomes below 0.00001; ExAC 0.00001; gnomAD 0.00001; TOPMed 0.00001.
gnomAD v4.1: 1 of 1,614,066 alleles (0.000062%); highest among the groups gnomAD compares: African/African-American, 0.0013%; no homozygotes.

Submission:

Labcorp Genetics (formerly Invitae), Labcorp
Classification: Uncertain significance for Long QT syndrome. Last evaluated: 2019-05-27. Review status: criteria provided, single submitter. Criteria: Invitae Variant Classification Sherloc (09022015). Collection method: clinical testing. Allele origin: germline.
Comment: In summary, the available evidence is currently insufficient to determine the role of this variant in disease. Therefore, it has been classified as a Variant of Uncertain Significance. This variant has not been reported in the literature in individuals with KCNH2-related conditions. This variant is present in population databases (rs756870695, ExAC 0.01%). Algorithms developed to predict the effect of missense changes on protein structure and function (SIFT, PolyPhen-2, Align-GVGD) all suggest that this variant is likely to be disruptive, but these predictions have not been confirmed by published functional studies and their clinical significance is uncertain. This sequence change replaces methionine with threonine at codon 677 of the KCNH2 protein (p.Met677Thr). The methionine residue is highly conserved and there is a moderate physicochemical difference between methionine and threonine.

NM_000238.4(KCNH2):c.2030T>C (p.Met677Thr)

Gene: KCNH2 (potassium voltage-gated channel subfamily H member 2; minus strand). Cytogenetic location: 7q36.1.
Variant type: single nucleotide variant.
Coding change: c.2030T>C on transcript NM_000238.4 (MANE Select); coding-DNA position 2030, T replaced by C.
Protein change: p.Met677Thr; replaces methionine 677 with threonine.
Molecular consequence: missense variant.
Genome position (GRCh38, 1-based): chr7:150,951,036, A>G on the plus strand (T>C on the coding strand, the complement: KCNH2 is on the minus strand). VCF-style: chr7-150951036-A-G. GRCh37 (hg19) VCF-style: chr7-150648124-A-G.
Other names: c.1010T>C, p.Met337Thr (NM_001204798.2, NM_172057.3); c.1742T>C, p.Met581Thr (NM_001406753.1, NM_001406756.1); c.1853T>C, p.Met618Thr (NM_001406755.1); c.1730T>C, p.Met577Thr (NM_001406757.1); c.2030T>C, p.Met677Thr (NM_172056.3); short protein forms M337T, M677T, M618T, M581T, M577T.
Identifiers: ClinVar variation 939911 (VCV000939911.10), dbSNP rs756870695, ClinGen allele CA030458.